The following is an entry in ClinVar:

NM_138459.5(NUS1):c.215C>T (p.Pro72Leu)

Gene: NUS1 (NUS1 dehydrodolichyl diphosphate synthase subunit; plus strand). Cytogenetic location: 6q22.1.
Variant type: single nucleotide variant.
Coding change: c.215C>T on transcript NM_138459.5 (MANE Select); coding-DNA position 215, C replaced by T.
Protein change: p.Pro72Leu; replaces proline 72 with leucine.
Molecular consequence: missense variant.
Genome position (GRCh38, 1-based): chr6:117,675,885, C>T. VCF-style: chr6-117675885-C-T. GRCh37 (hg19) VCF-style: chr6-117997048-C-T.
Other names: short protein forms P72L.
Identifiers: ClinVar variation 1945760 (VCV001945760.5), dbSNP rs1294744875, ClinGen allele CA365536140.

ClinVar aggregate classification (germline): Uncertain significance (1 of 4 stars; one submission).

Conditions:
Congenital disorder of glycosylation, type Iaa. Also called: Congenital disorder of glycosylation, type 1aa. Identifiers: MedGen C4310727, MONDO:0014904, OMIM 617082.

Allele frequency attached by ClinVar (database versions not stated): gnomAD exomes below 0.00001; gnomAD 0.00001; TOPMed 0.00001.
gnomAD v4.1: 8 of 1,534,720 alleles (0.00052%); highest among the groups gnomAD compares: East Asian, 0.0074%; no homozygotes.

Submission:

Labcorp Genetics (formerly Invitae), Labcorp
Classification: Uncertain significance for Congenital disorder of glycosylation, type Iaa. Last evaluated: 2021-12-06. Review status: criteria provided, single submitter. Criteria: Invitae Variant Classification Sherloc (09022015). Collection method: clinical testing. Allele origin: germline.
Comment: This sequence change replaces proline, which is neutral and non-polar, with leucine, which is neutral and non-polar, at codon 72 of the NUS1 protein (p.Pro72Leu). This variant is not present in population databases (gnomAD no frequency). This variant has not been reported in the literature in individuals affected with NUS1-related conditions. Algorithms developed to predict the effect of missense changes on protein structure and function (SIFT, PolyPhen-2, Align-GVGD) all suggest that this variant is likely to be tolerated. In summary, the available evidence is currently insufficient to determine the role of this variant in disease. Therefore, it has been classified as a Variant of Uncertain Significance.